The following is an entry in ClinVar:

NC_000012.11:g.(?_6438478)_(7362819_?)dup

Genes: ACRBP (acrosin binding protein; minus strand), ATN1 (atrophin 1; plus strand), C12orf57 (chromosome 12 open reading frame 57; plus strand), C1R (complement C1r; minus strand), C1RL (complement C1r subcomponent like; minus strand) and 40 more. Cytogenetic location: 12p13.31.
Variant type: Duplication.
Identifiers: ClinVar variation 1056361 (VCV001056361.1).

ClinVar aggregate classification (germline): Uncertain significance (1 of 4 stars; one submission).

Conditions:
Temtamy syndrome (TEMTYS). Also called: MENTAL RETARDATION WITH OR WITHOUT CRANIOFACIAL DYSMORPHISM, OCULAR COLOBOMA, OR ABNORMAL CORPUS CALLOSUM. Identifiers: Orphanet 1777, MedGen C1857512, MONDO:0009033, OMIM 218340.

Submission:

Labcorp Genetics (formerly Invitae), Labcorp
Classification: Uncertain significance for Temtamy syndrome. Last evaluated: 2020-06-09. Review status: criteria provided, single submitter. Criteria: Invitae Variant Classification Sherloc (09022015). Collection method: clinical testing. Allele origin: germline.
Comment: This variant results in a copy number gain of the genomic region encompassing the full coding sequence of the C12orf57 gene. The boundaries of this event are unknown as they extend beyond the assayed region for this gene and therefore may encompass additional genes. As the precise location of this event is unknown, it may be in tandem or it may be located elsewhere in the genome. This variant has not been reported in the literature in individuals with C12orf57-related conditions. In summary, the available evidence is currently insufficient to determine the role of this variant in disease. Therefore, it has been classified as a Variant of Uncertain Significance.